The following is an entry in ClinVar:

NM_000059.4(BRCA2):c.3494A>T (p.His1165Leu)

Gene: BRCA2 (BRCA2 DNA repair associated; plus strand). Cytogenetic location: 13q13.1.
Variant type: single nucleotide variant.
Coding change: c.3494A>T on transcript NM_000059.4 (MANE Select); coding-DNA position 3494, A replaced by T.
Protein change: p.His1165Leu; replaces histidine 1165 with leucine.
Molecular consequence: missense variant.
Genome position (GRCh38, 1-based): chr13:32,337,849, A>T. VCF-style: chr13-32337849-A-T. GRCh37 (hg19) VCF-style: chr13-32911986-A-T.
Other names: short protein forms H1165L.
Identifiers: ClinVar variation 441311 (VCV000441311.7), dbSNP rs587782201, ClinGen allele CA387776918.

ClinVar aggregate classification (germline): Conflicting classifications of pathogenicity. Review status: criteria provided, conflicting classifications (1 of 4 stars). 2 submissions from 2 submitters: Uncertain significance (1); Likely benign (1). Last evaluated 2023-03-23.

Conditions:
Hereditary cancer-predisposing syndrome. Also called: Hereditary Cancer Syndrome; Hereditary neoplastic syndrome; Neoplastic Syndromes, Hereditary; Tumor predisposition. Identifiers: Orphanet 140162, MedGen C0027672, MeSH D009386, MONDO:0015356.

Submissions (2):

University of Washington Department of Laboratory Medicine, University of Washington
Classification: Likely benign for Hereditary cancer-predisposing syndrome. Last evaluated: 2023-03-23. Review status: criteria provided, single submitter. Criteria: Dines et al. (Genet Med. 2020). Collection method: curation. Allele origin: germline.
Comment: Missense variant in a coldspot region where missense variants are very unlikely to be pathogenic (PMID:31911673).

BRCA2 exon 11 coldspot. Reclassification based on statistical prior probability.

Ambry Genetics
Classification: Uncertain significance for Hereditary cancer-predisposing syndrome. Last evaluated: 2015-12-30. Review status: criteria provided, single submitter. Criteria: Ambry Variant Classification Scheme 2023. Collection method: clinical testing. Allele origin: germline.
Comment: The p.H1165L variant (also known as c.3494A>T), located in coding exon 10 of the BRCA2 gene, results from an A to T substitution at nucleotide position 3494. The histidine at codon 1165 is replaced by leucine, an amino acid with similar properties. This variant was not reported in population based cohorts in the following databases: Database of Single Nucleotide Polymorphisms (dbSNP), NHLBI Exome Sequencing Project (ESP), and 1000 Genomes Project. In the ESP, this variant was not observed in 6503 samples (13006 alleles) with coverage of 6503 at this position. To date, this alteration has been detected with an allele frequency of approximately 0.0004% (greater than 225000 alleles tested) in our clinical cohort. This amino acid position is poorly conserved in available vertebrate species. In addition, this alteration is predicted to be tolerated by in silico analysis. Since supporting evidence is limited at this time, the clinical significance of this variant remains unclear.